The following is an entry in ClinVar:

ClinVar aggregate classification (germline): Benign/Likely benign. Review status: criteria provided, multiple submitters, no conflicts (2 of 4 stars). 11 submissions from 11 submitters: Benign (7); Likely benign (3). 1 of the submissions does not count toward it. Last evaluated 2026-08-01.

Conditions:
Peroxisome biogenesis disorder 7A (Zellweger). Also called: Peroxisome biogenesis disorder 7A. Identifiers: Orphanet 912, MedGen C3888385, MONDO:0013938, OMIM 614872.
Peroxisome biogenesis disorder 7B (PBD7B). Identifiers: Orphanet 44, MedGen C3553951, MONDO:0013939, OMIM 614873.
Peroxisome biogenesis disorder 1A (Zellweger) (PBD1A). Also called: Zellweger leukodystrophy; Peroxisome biogenesis disorder 1a. Identifiers: MedGen C4721541, MONDO:0008953, OMIM 214100.

Allele frequency attached by ClinVar (database versions not stated): ESP Exome Variant Server 0.01284; 1000 Genomes Project 0.00439; 1000 Genomes Project 30x 0.00468; ExAC 0.00996; gnomAD exomes 0.01018; gnomAD 0.01096 and 0.01058; TOPMed 0.01189.

Submissions (11):

CeGaT Center for Human Genetics Tuebingen
Classification: Benign. Last evaluated: 2026-08-01. Review status: criteria provided, single submitter. Criteria: CeGaT Center For Human Genetics Tuebingen Variant Classification Criteria Version 2. Collection method: clinical testing. Allele origin: germline. Affected: yes. Observed: 33 variant alleles.
Comment: PEX26: BS1, BS2

Labcorp Genetics (formerly Invitae), Labcorp
Classification: Benign for Peroxisome biogenesis disorder 7A (Zellweger); Peroxisome biogenesis disorder 7B. Last evaluated: 2026-02-04. Review status: criteria provided, single submitter. Criteria: Invitae Variant Classification Sherloc (09022015). Collection method: clinical testing. Allele origin: germline.

ARUP Laboratories, Molecular Genetics and Genomics, ARUP Laboratories
Classification: Benign. Last evaluated: 2024-08-28. Review status: criteria provided, single submitter. Criteria: ARUP Molecular Germline Variant Investigation Process 2024. Collection method: clinical testing. Allele origin: germline.

Women's Health and Genetics/Laboratory Corporation of America, LabCorp
Classification: Likely benign. Last evaluated: 2021-12-10. Review status: criteria provided, single submitter. Criteria: LabCorp Variant Classification Summary - May 2015. Collection method: clinical testing. Allele origin: germline.

GeneDx
Classification: Benign. Last evaluated: 2021-01-19. Review status: criteria provided, single submitter. Criteria: GeneDx Variant Classification Process June 2021. Collection method: clinical testing. Allele origin: germline. Affected: yes.
Comment: This variant is associated with the following publications: (PMID: 22995991, 20981092, 16257970, 15858711)

Mendelics
Classification: Benign for Peroxisome biogenesis disorder 1A (Zellweger). Last evaluated: 2019-05-28. Review status: criteria provided, single submitter. Criteria: Mendelics Assertion Criteria 2017. Collection method: clinical testing. Allele origin: unknown.

Illumina Laboratory Services, Illumina
Classification: Likely benign for Peroxisome biogenesis disorder 7A (Zellweger). Last evaluated: 2017-04-27. Review status: criteria provided, single submitter. Criteria: ICSL Variant Classification Criteria 13 December 2019. Collection method: clinical testing. Allele origin: germline.
Comment: This variant was observed as part of a predisposition screen in an ostensibly healthy population. A literature search was performed for the gene, cDNA change, and amino acid change (where applicable). Publications were found based on this search. The evidence from the literature, in combination with allele frequency data from public databases where available, was sufficient to determine this variant is unlikely to cause disease. Therefore, this variant is classified as likely benign.

Eurofins Ntd Llc (ga)
Classification: Benign. Last evaluated: 2013-11-12. Review status: criteria provided, single submitter. Criteria: EGL Classification Definitions 2015. Collection method: clinical testing. Allele origin: germline. Observed: 3 variant alleles, 3 heterozygotes.

Breakthrough Genomics
Classification: Likely benign. Review status: criteria provided, single submitter. Criteria: ACMG Guidelines, 2015. Collection method: not provided. Allele origin: germline. Inheritance: Autosomal recessive inheritance. Affected: yes.

PreventionGenetics, part of Exact Sciences
Classification: Benign. Review status: criteria provided, single submitter. Criteria: ACMG Guidelines, 2015. Collection method: clinical testing. Allele origin: germline.

Mayo Clinic Laboratories, Mayo Clinic
Classification: Benign. Last evaluated: 2015-10-21. Review status: no assertion criteria provided. Collection method: clinical testing. Allele origin: unknown. Not counted in ClinVar's aggregate classification.

Literature cited by the submitters: PubMed 16257970 (cited by Illumina Laboratory Services, Illumina).

NM_001127649.3(PEX26):c.457C>G (p.Leu153Val)

Gene: PEX26 (peroxisomal biogenesis factor 26; plus strand). Cytogenetic location: 22q11.21.
Variant type: single nucleotide variant.
Coding change: c.457C>G on transcript NM_001127649.3 (MANE Select); coding-DNA position 457, C replaced by G.
Protein change: p.Leu153Val; replaces leucine 153 with valine.
Molecular consequence: missense variant.
Genome position (GRCh38, 1-based): chr22:18,083,522, C>G. VCF-style: chr22-18083522-C-G. GRCh37 (hg19) VCF-style: chr22-18566288-C-G.
Other names: c.457C>G, p.Leu153Val (NM_001199319.2, NM_017929.6); short protein forms L153V.
Identifiers: ClinVar variation 95877 (VCV000095877.50), dbSNP rs12484657, ClinGen allele CA148997.